The following is an entry in ClinVar:

ClinVar aggregate classification (germline): Uncertain significance. Review status: criteria provided, multiple submitters, no conflicts (2 of 4 stars). 2 submissions from 2 submitters: Uncertain significance (2). Last evaluated 2025-10-28.

Conditions:
Inborn genetic diseases. Identifiers: MedGen C0950123, MeSH D030342.

gnomAD v4.1: 69 of 1,613,432 alleles (0.0043%); highest among the groups gnomAD compares: East Asian, 0.065%; no homozygotes.

Submissions (2):

Ambry Genetics
Classification: Uncertain significance for Inborn genetic diseases. Last evaluated: 2025-10-28. Review status: criteria provided, single submitter. Criteria: Ambry Variant Classification Scheme 2023. Collection method: clinical testing. Allele origin: germline.

Labcorp Genetics (formerly Invitae), Labcorp
Classification: Uncertain significance. Last evaluated: 2025-07-30. Review status: criteria provided, single submitter. Criteria: Invitae Variant Classification Sherloc (09022015). Collection method: clinical testing. Allele origin: germline.
Comment: This sequence change replaces arginine, which is basic and polar, with cysteine, which is neutral and slightly polar, at codon 98 of the HR protein (p.Arg98Cys). This variant is present in population databases (rs546916772, gnomAD 0.05%). This variant has not been reported in the literature in individuals affected with HR-related conditions. An algorithm developed to predict the effect of missense changes on protein structure and function outputs the following: PolyPhen-2: "Benign". The cysteine amino acid residue is found in multiple mammalian species, which suggests that this missense change does not adversely affect protein function. In summary, the available evidence is currently insufficient to determine the role of this variant in disease. Therefore, it has been classified as a Variant of Uncertain Significance.

NM_005144.5(HR):c.292C>T (p.Arg98Cys)

Gene: HR (HR lysine demethylase and nuclear receptor corepressor; minus strand). Cytogenetic location: 8p21.3.
Variant type: single nucleotide variant.
Coding change: c.292C>T on transcript NM_005144.5 (MANE Select); coding-DNA position 292, C replaced by T.
Protein change: p.Arg98Cys; replaces arginine 98 with cysteine.
Molecular consequence: missense variant.
Genome position (GRCh38, 1-based): chr8:22,128,879, G>A on the plus strand (C>T on the coding strand, the complement: HR is on the minus strand). VCF-style: chr8-22128879-G-A. GRCh37 (hg19) VCF-style: chr8-21986392-G-A.
Other names: c.292C>T, p.Arg98Cys (NM_018411.4); short protein forms R98C.
Identifiers: ClinVar variation 4621738 (VCV004621738.2).